The following is an entry in ClinVar:

ClinVar aggregate classification (germline): Uncertain significance (1 of 4 stars; one submission).

Submission:

GeneDx
Classification: Uncertain significance. Last evaluated: 2021-04-19. Review status: criteria provided, single submitter. Criteria: GeneDx Variant Classification Process June 2021. Collection method: clinical testing. Allele origin: germline. Affected: yes.
Comment: Not observed in large population cohorts (Lek et al., 2016); In silico analysis supports that this missense variant has a deleterious effect on protein structure/function; Has not been previously published as pathogenic or benign to our knowledge

NM_031263.4(HNRNPK):c.142C>G (p.Leu48Val)

Gene: HNRNPK (heterogeneous nuclear ribonucleoprotein K; minus strand). Cytogenetic location: 9q21.32.
Variant type: single nucleotide variant.
Coding change: c.142C>G on transcript NM_031263.4 (MANE Select); coding-DNA position 142, C replaced by G.
Protein change: p.Leu48Val; replaces leucine 48 with valine.
Molecular consequence: missense variant.
Genome position (GRCh38, 1-based): chr9:83,977,703, G>C on the plus strand (C>G on the coding strand, the complement: HNRNPK is on the minus strand). VCF-style: chr9-83977703-G-C. GRCh37 (hg19) VCF-style: chr9-86592618-G-C.
Other names: c.142C>G, p.Leu48Val (NM_001318186.2, NM_001318187.2, NM_001318188.2 and 2 more transcripts); short protein forms L48V.
Identifiers: ClinVar variation 1314751 (VCV001314751.2), dbSNP rs1273582105, ClinGen allele CA373931854.
Genomic context (GRCh38, chr9:83,977,703, plus strand): 5'-ACCTGAGTATGAACCACCTTCAAATTTTCAAGAATAAAATTTATACCTTGCTCTGAAGCA[G>C]AATGCGTAATTCAACCATCTCATCAGTGTTTCTAGATCTTTTAAATGCTTGTTCCTCTTC-3'
Protein context (NP_112553.1, residues 38-58): NTDEMVELRI[Leu48Val]LQSKNAGAVI